The following is an entry in ClinVar:

ClinVar aggregate classification (germline): Uncertain significance. Review status: criteria provided, multiple submitters, no conflicts (2 of 4 stars). 2 submissions from 2 submitters: Uncertain significance (2). Last evaluated 2024-11-26.

Conditions:
Mosaic variegated aneuploidy syndrome 1 (MVA1). Also called: Warburton-Anyane-Yeboa syndrome. Identifiers: Orphanet 1052, MedGen C1850343, MONDO:0009759, OMIM 257300.
Inborn genetic diseases. Identifiers: MedGen C0950123, MeSH D030342.

Allele frequency attached by ClinVar (database versions not stated): ExAC 0.00001.
gnomAD v4.1: 6 of 1,614,038 alleles (0.00037%); highest among the groups gnomAD compares: Non-Finnish European, 0.00051%; no homozygotes.

Submissions (2):

Ambry Genetics
Classification: Uncertain significance for Inborn genetic diseases. Last evaluated: 2024-11-26. Review status: criteria provided, single submitter. Criteria: Ambry Variant Classification Scheme 2023. Collection method: clinical testing. Allele origin: germline.

Labcorp Genetics (formerly Invitae), Labcorp
Classification: Uncertain significance for Mosaic variegated aneuploidy syndrome 1. Last evaluated: 2018-06-12. Review status: criteria provided, single submitter. Criteria: Invitae Variant Classification Sherloc (09022015). Collection method: clinical testing. Allele origin: germline.
Comment: In summary, the available evidence is currently insufficient to determine the role of this variant in disease. Therefore, it has been classified as a Variant of Uncertain Significance. Algorithms developed to predict the effect of missense changes on protein structure and function are either unavailable or do not agree on the potential impact of this missense change (SIFT: "Deleterious"; PolyPhen-2: "Probably Damaging"; Align-GVGD: "Class C0"). This variant has not been reported in the literature in individuals with BUB1B-related disease. This variant is present in population databases (rs145639700, ExAC 0.001%). This sequence change replaces leucine with phenylalanine at codon 918 of the BUB1B protein (p.Leu918Phe). The leucine residue is moderately conserved and there is a small physicochemical difference between leucine and phenylalanine.

NM_001211.6(BUB1B):c.2752C>T (p.Leu918Phe)

Genes: BUB1B (BUB1 mitotic checkpoint serine/threonine kinase B; plus strand), BUB1B-PAK6 (BUB1B-PAK6 readthrough; plus strand). Cytogenetic location: 15q15.1.
Variant type: single nucleotide variant.
Coding change: c.2752C>T on transcript NM_001211.6 (MANE Select); coding-DNA position 2752, C replaced by T.
Protein change: p.Leu918Phe; replaces leucine 918 with phenylalanine.
Molecular consequence: missense variant. On other transcripts: 5 prime UTR variant (2).
Genome position (GRCh38, 1-based): chr15:40,217,569, C>T. VCF-style: chr15-40217569-C-T. GRCh37 (hg19) VCF-style: chr15-40509770-C-T.
Other names: c.-299C>T (NM_001128628.3); c.-216C>T (NM_001128629.3); short protein forms L918F.
Identifiers: ClinVar variation 568063 (VCV000568063.11), dbSNP rs145639700, ClinGen allele CA7476113.